The following is an entry in ClinVar:

ClinVar aggregate classification (germline): Pathogenic/Likely pathogenic. Review status: criteria provided, multiple submitters, no conflicts (2 of 4 stars). 7 submissions from 7 submitters: Pathogenic (2); Likely pathogenic (3). 2 of the submissions do not count toward it. Last evaluated 2026-01-28.

Conditions:
Methylmalonic aciduria due to complete methylmalonyl-CoA mutase deficiency.
Methylmalonic aciduria due to methylmalonyl-CoA mutase deficiency (MAMM). Also called: Methylmalonic aciduria, mut type. Identifiers: Orphanet 27, MedGen C1855114, MONDO:0009612, OMIM 251000.
Acute infantile liver failure due to synthesis defect of mtDNA-encoded proteins. Also called: TRMU Deficiency; LIVER FAILURE, INFANTILE, TRANSIENT; Liver failure acute infantile. Identifiers: Orphanet 217371, MedGen C3278664, MONDO:0013111, OMIM 613070.

Allele frequency attached by ClinVar (database versions not stated): gnomAD 0.00001; gnomAD exomes 0.00001; TOPMed 0.00002; ExAC 0.00002.
gnomAD v4.1: 10 of 1,613,826 alleles (0.00062%); highest among the groups gnomAD compares: Non-Finnish European, 0.00076%; no homozygotes.

Submissions (7):

Dasa
Classification: Likely pathogenic. Last evaluated: 2026-01-28. Review status: criteria provided, single submitter. Criteria: DASA Assertion Criteria. Collection method: clinical testing. Allele origin: germline.
Comment: NM_000255.4(MMUT):c.2206C>T (p.Leu736Phe) is a missense variant that results in the substitution of leucine with phenylalanine. This variant has been recurrently observed in individuals with MMUT-related disorders (PMID: 39075538; PMID: 35281663; PMID: 34668645; PMID: 27167370). Functional evidence supports an impact on the gene or gene product (PMID: 39075538; PMID: 35281663; PMID: 34668645; PMID: 27167370; PMID: 25125334). Also, this variant is rare in population databases. Computational evidence supports a deleterious effect. Based on the currently available evidence, this variant is classified as likely pathogenic.

Natera, Inc.
Classification: Likely pathogenic for Methylmalonic aciduria due to complete methylmalonyl-CoA mutase deficiency. Last evaluated: 2025-11-03. Review status: criteria provided, single submitter. Criteria: Natera Variant Classification Schema (03/2026). Collection method: clinical testing. Allele origin: germline.
Comment: The c.2206C>T variant in MMUT is a missense variant predicted to cause substitution of leucine to phenylalanine at amino acid 736. This variant is rare in the general population with a frequency below the threshold expected for the associated phenotype(s). This variant has been observed in one or more individuals affected with the associated recessive disease, as either homozygous or compound heterozygous with a second variant (PMID: 27167370, 34668645). Functional studies show that this variant may disrupt protein function (PMID: 25125334). Computational prediction algorithms indicate this variant is likely to affect gene or protein function. Given the available evidence, this variant is classified as Likely Pathogenic.

Labcorp Genetics (formerly Invitae), Labcorp
Classification: Pathogenic. Last evaluated: 2024-10-16. Review status: criteria provided, single submitter. Criteria: Invitae Variant Classification Sherloc (09022015). Collection method: clinical testing. Allele origin: germline.
Comment: This sequence change replaces leucine, which is neutral and non-polar, with phenylalanine, which is neutral and non-polar, at codon 736 of the MUT protein (p.Leu736Phe). This variant is present in population databases (rs753461919, gnomAD 0.003%). This missense change has been observed in individuals with methylmalonic aciduria (PMID: 27167370, 34668645, 35281663, 36717752). ClinVar contains an entry for this variant (Variation ID: 555168). Invitae Evidence Modeling of protein sequence and biophysical properties (such as structural, functional, and spatial information, amino acid conservation, physicochemical variation, residue mobility, and thermodynamic stability) indicates that this missense variant is expected to disrupt MUT protein function with a positive predictive value of 95%. For these reasons, this variant has been classified as Pathogenic.

Centre for Inherited Metabolic Diseases, Karolinska University Hospital
Classification: Pathogenic for Methylmalonic aciduria due to methylmalonyl-CoA mutase deficiency. Last evaluated: 2023-10-17. Review status: criteria provided, single submitter. Criteria: ACMG Guidelines, 2015. Collection method: clinical testing. Allele origin: unknown. Inheritance: Autosomal recessive inheritance. Affected: yes. Observed: 1 compound heterozygote.

Women's Health and Genetics/Laboratory Corporation of America, LabCorp
Classification: Likely pathogenic for Acute infantile liver failure due to synthesis defect of mtDNA-encoded proteins. Last evaluated: 2023-03-06. Review status: criteria provided, single submitter. Criteria: LabCorp Variant Classification Summary - May 2015. Collection method: clinical testing. Allele origin: germline.
Comment: Variant summary: MMUT c.2206C>T (p.Leu736Phe) results in a non-conservative amino acid change located in the Cobalamin (vitamin B12)-binding domain (IPR006158) of the encoded protein sequence. Five of five in-silico tools predict a damaging effect of the variant on protein function. The variant allele was found at a frequency of 8e-06 in 251402 control chromosomes. c.2206C>T has been reported in the literature in individuals affected with methylmalonic aciduria who were reported as compound heterozygous with other pathogenic variants (Forny_2014, Martin-Rivada_2022, Yu_2021). These data indicate that the variant is likely associated with disease. At least one publication reports experimental evidence evaluating an impact on protein function, resulting in 13% of normal activity (Forny_2014). Three submitters have provided clinical-significance assessments for this variant to ClinVar after 2014, and all classified the variant as uncertain significance. Based on the evidence outlined above, the variant was classified as likely pathogenic.

Fulgent Genetics
Classification: Uncertain significance for Methylmalonic aciduria due to methylmalonyl-CoA mutase deficiency. Last evaluated: 2021-07-17. Review status: flagged submission. Criteria: ACMG Guidelines, 2015. Collection method: clinical testing. Allele origin: unknown. Not counted in ClinVar's aggregate classification.
ClinVar note: Reason: Outlier claim with insufficient supporting evidence

Counsyl
Classification: Uncertain significance for Methylmalonic aciduria due to methylmalonyl-CoA mutase deficiency. Last evaluated: 2017-11-21. Review status: flagged submission. Collection method: clinical testing. Allele origin: unknown. Not counted in ClinVar's aggregate classification.
ClinVar note: Reason: Older claim that does not account for recent evidence

Literature cited by the submitters: PubMed 39075538 (cited by Dasa); PubMed 35281663 (cited by 3 submitters); PubMed 34668645 (cited by 4 submitters); PubMed 27167370 (cited by 4 submitters); PubMed 25125334 (cited by 4 submitters); PubMed 36717752 (cited by Labcorp Genetics (formerly Invitae), Labcorp).

NM_000255.4(MMUT):c.2206C>T (p.Leu736Phe)

Gene: MMUT (methylmalonyl-CoA mutase; minus strand). Cytogenetic location: 6p12.3.
Variant type: single nucleotide variant.
Coding change: c.2206C>T on transcript NM_000255.4 (MANE Select); coding-DNA position 2206, C replaced by T.
Protein change: p.Leu736Phe; replaces leucine 736 with phenylalanine.
Molecular consequence: missense variant.
Genome position (GRCh38, 1-based): chr6:49,431,775, G>A on the plus strand (C>T on the coding strand, the complement: MMUT is on the minus strand). VCF-style: chr6-49431775-G-A. GRCh37 (hg19) VCF-style: chr6-49399488-G-A.
Other names: short protein forms L736F.
Identifiers: ClinVar variation 555168 (VCV000555168.11), dbSNP rs753461919, ClinGen allele CA3846618.